The following is an entry in ClinVar:

ClinVar aggregate classification (germline): Benign/Likely benign. Review status: criteria provided, multiple submitters, no conflicts (2 of 4 stars). 4 submissions from 4 submitters: Benign (2); Likely benign (1). 1 of the submissions does not count toward it. Last evaluated 2023-01-01.

Conditions:
MED13-related disorder. Also called: MED13-related condition.

Allele frequency attached by ClinVar (database versions not stated): ESP Exome Variant Server 0.00108; gnomAD exomes 0.00108; 1000 Genomes Project 0.00120; 1000 Genomes Project 30x 0.00141; TOPMed 0.00147.
gnomAD v4.1: 1,014 of 1,614,054 alleles (0.063%); highest among the groups gnomAD compares: African/African-American, 0.45%; 6 homozygotes.

Submissions (4):

CeGaT Center for Human Genetics Tuebingen
Classification: Likely benign. Last evaluated: 2023-01-01. Review status: criteria provided, single submitter. Criteria: CeGaT Center For Human Genetics Tuebingen Variant Classification Criteria Version 2. Collection method: clinical testing. Allele origin: germline. Affected: yes. Observed: 1 variant allele.
Comment: MED13: BP4, BP7, BS1

Labcorp Genetics (formerly Invitae), Labcorp
Classification: Benign. Last evaluated: 2019-12-31. Review status: criteria provided, single submitter. Criteria: Invitae Variant Classification Sherloc (09022015). Collection method: clinical testing. Allele origin: germline.

Breakthrough Genomics
Classification: Benign. Review status: criteria provided, single submitter. Criteria: ACMG Guidelines, 2015. Collection method: not provided. Allele origin: germline. Inheritance: Autosomal dominant inheritance. Affected: yes.

PreventionGenetics, part of Exact Sciences
Classification: Benign for MED13-related condition. Last evaluated: 2023-12-21. Review status: no assertion criteria provided. Collection method: clinical testing. Allele origin: germline. Not counted in ClinVar's aggregate classification.
Comment: This variant is classified as benign based on ACMG/AMP sequence variant interpretation guidelines (Richards et al. 2015 PMID: 25741868, with internal and published modifications).

NM_005121.3(MED13):c.4944A>T (p.Thr1648=)

Gene: MED13 (mediator complex subunit 13; minus strand). Cytogenetic location: 17q23.2.
Variant type: single nucleotide variant.
Coding change: c.4944A>T on transcript NM_005121.3 (MANE Select); coding-DNA position 4944, A replaced by T.
Protein change: p.Thr1648=; no amino-acid change (threonine 1648 retained).
Molecular consequence: synonymous variant.
Genome position (GRCh38, 1-based): chr17:61,962,872, T>A on the plus strand (A>T on the coding strand, the complement: MED13 is on the minus strand). VCF-style: chr17-61962872-T-A. GRCh37 (hg19) VCF-style: chr17-60040233-T-A.
Identifiers: ClinVar variation 722968 (VCV000722968.30), dbSNP rs190225556, ClinGen allele CA8692294.
Genomic context (GRCh38, chr17:61,962,872, plus strand): 5'-TCGAAGTAGCCCCAATGTCCACACACTAGAAGAGTTAGTGCTCTCGTCTGTATTTTCGTA[T>A]GTAAAAGGATCAATTATATAAACAACAATTGCAGGTGGATACGTGACTGCATGTGAATCA-3'
Protein context (NP_005112.2, residues 1638-1658): AIVVYIIDPF[Thr1648=]YENTDESTNS